The following is an entry in ClinVar:

ClinVar aggregate classification (germline): Likely benign (1 of 4 stars; one submission).

gnomAD v4.1: 3 of 1,607,524 alleles (0.00019%); highest among the groups gnomAD compares: Admixed American, 0.0017%; no homozygotes.

Submission:

GeneDx
Classification: Likely benign. Last evaluated: 2017-08-28. Review status: criteria provided, single submitter. Criteria: GeneDx Variant Classification (06012015). Collection method: clinical testing. Allele origin: germline. Affected: yes.
Comment: This variant is considered likely benign or benign based on one or more of the following criteria: it is a conservative change, it occurs at a poorly conserved position in the protein, it is predicted to be benign by multiple in silico algorithms, and/or has population frequency not consistent with disease.

NM_000540.3(RYR1):c.7836-19C>G

Gene: RYR1 (ryanodine receptor 1; plus strand). Cytogenetic location: 19q13.2.
Variant type: single nucleotide variant.
Coding change: c.7836-19C>G on transcript NM_000540.3 (MANE Select); 19 bases into the intron before coding-DNA position 7836, C replaced by G.
Molecular consequence: intron variant.
Genome position (GRCh38, 1-based): chr19:38,502,861, C>G. VCF-style: chr19-38502861-C-G. GRCh37 (hg19) VCF-style: chr19-38993501-C-G.
Other names: c.7836-19C>G (NM_001042723.2).
Identifiers: ClinVar variation 511724 (VCV000511724.1), dbSNP rs201378267, ClinGen allele CA658799200.